The following is an entry in ClinVar:

NM_001044.5(SLC6A3):c.499C>T (p.Leu167Phe)

Gene: SLC6A3 (solute carrier family 6 member 3). Cytogenetic location: 5p15.33.
Variant type: single nucleotide variant.
Coding change: c.499C>T on transcript NM_001044.5 (MANE Select); coding-DNA position 499, C replaced by T.
Protein change: p.Leu167Phe; replaces leucine 167 with phenylalanine.
Molecular consequence: missense variant.
Genome position (GRCh38, 1-based): chr5:1,432,618, G>A on the plus strand (C>T on the coding strand, the complement: SLC6A3 is on the minus strand). VCF-style: chr5-1432618-G-A. GRCh37 (hg19) VCF-style: chr5-1432733-G-A.
Other names: short protein forms L167F.
Identifiers: ClinVar variation 377082 (VCV000377082.44), dbSNP rs71653633, ClinGen allele CA3186352.

ClinVar aggregate classification (germline): Conflicting classifications of pathogenicity. Review status: criteria provided, conflicting classifications (1 of 4 stars). 9 submissions from 9 submitters: Uncertain significance (4); Likely benign (2). 3 of the submissions do not count toward it. Last evaluated 2026-01-07.

Conditions:
Classic dopamine transporter deficiency syndrome (PKDYS1). Also called: Parkinsonism-dystonia, infantile, 1; DOPAMINE TRANSPORTER DEFICIENCY SYNDROME. Identifiers: Orphanet 238455, MedGen C5700336, MONDO:0054835, OMIM 613135.
Tobacco addiction, susceptibility to. Also called: CIGARETTE HABITUATION, SUSCEPTIBILITY TO. Identifiers: MedGen C1861063, MONDO:0100460, OMIM 188890.
SLC6A3-related disorder. Also called: SLC6A3-related condition.
Parkinsonism-dystonia, infantile. Identifiers: Orphanet 238455, MedGen C2751067, MONDO:0013150.

Allele frequency attached by ClinVar (database versions not stated): gnomAD 0.00078 and 0.00080; ExAC 0.00080; ESP Exome Variant Server 0.00108; 1000 Genomes Project 0.00060; 1000 Genomes Project 30x 0.00062; TOPMed 0.00072; gnomAD exomes 0.00074.

Submissions (9):

Labcorp Genetics (formerly Invitae), Labcorp
Classification: Likely benign for Parkinsonism-dystonia, infantile. Last evaluated: 2026-01-07. Review status: criteria provided, single submitter. Criteria: Invitae Variant Classification Sherloc (09022015). Collection method: clinical testing. Allele origin: germline.

Blueprint Genetics
Classification: Uncertain significance. Last evaluated: 2024-11-05. Review status: criteria provided, single submitter. Criteria: ACMG Guidelines, 2015. Collection method: clinical testing. Allele origin: germline.

CeGaT Center for Human Genetics Tuebingen
Classification: Likely benign. Last evaluated: 2024-01-01. Review status: criteria provided, single submitter. Criteria: CeGaT Center For Human Genetics Tuebingen Variant Classification Criteria Version 2. Collection method: clinical testing. Allele origin: germline. Affected: yes. Observed: 1 variant allele.
Comment: SLC6A3: BP4

Fulgent Genetics
Classification: Uncertain significance for Tobacco addiction, susceptibility to; Classic dopamine transporter deficiency syndrome. Last evaluated: 2018-10-31. Review status: criteria provided, single submitter. Criteria: ACMG Guidelines, 2015. Collection method: clinical testing. Allele origin: unknown.

Center for Pediatric Genomic Medicine, Children's Mercy Hospital and Clinics
Classification: Uncertain significance. Last evaluated: 2016-08-19. Review status: criteria provided, single submitter. Criteria: ACMG Guidelines, 2015. Collection method: clinical testing. Allele origin: germline.
ClinVar note: Converted during submission from Uncertain Significance to Uncertain significance.

Mayo Clinic Laboratories, Mayo Clinic
Classification: Uncertain significance for Classic dopamine transporter deficiency syndrome. Last evaluated: 2016-06-16. Review status: criteria provided, single submitter. Criteria: ACMG Guidelines, 2015. Collection method: clinical testing. Allele origin: paternal.

PreventionGenetics, part of Exact Sciences
Classification: Likely benign for SLC6A3-related condition. Last evaluated: 2024-01-08. Review status: no assertion criteria provided. Collection method: clinical testing. Allele origin: germline. Not counted in ClinVar's aggregate classification.
Comment: This variant is classified as likely benign based on ACMG/AMP sequence variant interpretation guidelines (Richards et al. 2015 PMID: 25741868, with internal and published modifications).

Clinical Genetics DNA and cytogenetics Diagnostics Lab, Erasmus MC, Erasmus Medical Center
Classification: Likely benign. Review status: no assertion criteria provided. Collection method: clinical testing. Allele origin: germline. Affected: yes. Study: VKGL Data-share Consensus. Not counted in ClinVar's aggregate classification.

Laboratory of Diagnostic Genome Analysis, Leiden University Medical Center (LUMC)
Classification: Likely benign. Review status: no assertion criteria provided. Collection method: clinical testing. Allele origin: germline. Affected: yes. Study: VKGL Data-share Consensus. Not counted in ClinVar's aggregate classification.